The following is an entry in ClinVar:

NM_001754.5(RUNX1):c.648C>A (p.Pro216=)

Gene: RUNX1 (RUNX family transcription factor 1; minus strand). Cytogenetic location: 21q22.12.
Variant type: single nucleotide variant.
Coding change: c.648C>A on transcript NM_001754.5 (MANE Select); coding-DNA position 648, C replaced by A.
Protein change: p.Pro216=; no amino-acid change (proline 216 retained).
Molecular consequence: synonymous variant.
Genome position (GRCh38, 1-based): chr21:34,834,567, G>T on the plus strand (C>A on the coding strand, the complement: RUNX1 is on the minus strand). VCF-style: chr21-34834567-G-T. GRCh37 (hg19) VCF-style: chr21-36206864-G-T.
Other names: c.567C>A, p.Pro189= (NM_001001890.3, NM_001122607.2).
Identifiers: ClinVar variation 5000859 (VCV005000859.1).

ClinVar aggregate classification (germline): Likely benign (1 of 4 stars; one submission).

Conditions:
RUNX1-related disorder. Also called: RUNX1-related condition.

Submission:

PreventionGenetics, part of Exact Sciences
Classification: Likely benign for RUNX1-related condition. Last evaluated: 2025-03-15. Review status: criteria provided, single submitter. Criteria: ACMG Guidelines, 2015. Collection method: clinical testing. Allele origin: germline.
Comment: This variant is classified as likely benign based on ACMG/AMP sequence variant interpretation guidelines (Richards et al. 2015 PMID: 25741868, with internal and published modifications).